The following is an entry in ClinVar:

NM_004360.5(CDH1):c.189A>G (p.Arg63=)

Gene: CDH1 (cadherin 1; plus strand). Cytogenetic location: 16q22.1.
Variant type: single nucleotide variant.
Coding change: c.189A>G on transcript NM_004360.5 (MANE Select); coding-DNA position 189, A replaced by G.
Protein change: p.Arg63=; no amino-acid change (arginine 63 retained).
Molecular consequence: synonymous variant. On other transcripts: 5 prime UTR variant (2).
Genome position (GRCh38, 1-based): chr16:68,801,695, A>G. VCF-style: chr16-68801695-A-G. GRCh37 (hg19) VCF-style: chr16-68835598-A-G.
Other names: c.189A>G, p.Arg63= (NM_001317184.2); c.-1427A>G (NM_001317185.2); c.-1631A>G (NM_001317186.2); c.189A>G (NM_004360.3).
Identifiers: ClinVar variation 1561456 (VCV001561456.10), dbSNP rs2152126635, ClinGen allele CA496152600.

ClinVar aggregate classification (germline): Benign/Likely benign. Review status: criteria provided, multiple submitters, no conflicts (2 of 4 stars). 3 submissions from 3 submitters: Benign (1); Likely benign (2). Last evaluated 2024-09-12.

Conditions:
Hereditary cancer-predisposing syndrome. Also called: Neoplastic Syndromes, Hereditary; Hereditary Cancer Syndrome; Hereditary neoplastic syndrome; Tumor predisposition. Identifiers: Orphanet 140162, MedGen C0027672, MeSH D009386, MONDO:0015356.
Hereditary diffuse gastric adenocarcinoma (HDGC). Also called: DIFFUSE GASTRIC AND LOBULAR BREAST CANCER SYNDROME. Identifiers: Orphanet 26106, MedGen C1708349, MONDO:0007648, OMIM 137215.

Submissions (3):

Myriad Genetics, Inc.
Classification: Benign for Hereditary diffuse gastric adenocarcinoma. Last evaluated: 2024-09-12. Review status: criteria provided, single submitter. Criteria: Myriad Autosomal Dominant, Autosomal Recessive and X-Linked Classification Criteria (2023). Collection method: clinical testing. Allele origin: unknown.
Comment: This variant is considered benign. This variant is a silent/synonymous amino acid change and it is not expected to impact splicing.

Labcorp Genetics (formerly Invitae), Labcorp
Classification: Likely benign for Hereditary diffuse gastric adenocarcinoma. Last evaluated: 2023-04-24. Review status: criteria provided, single submitter. Criteria: Invitae Variant Classification Sherloc (09022015). Collection method: clinical testing. Allele origin: germline.

Ambry Genetics
Classification: Likely benign for Hereditary cancer-predisposing syndrome. Last evaluated: 2023-03-23. Review status: criteria provided, single submitter. Criteria: Ambry Variant Classification Scheme 2023. Collection method: clinical testing. Allele origin: germline.